The following is an entry in ClinVar:

NM_030662.4(MAP2K2):c.237C>T (p.Gly79=)

Gene: MAP2K2 (mitogen-activated protein kinase kinase 2; minus strand). Cytogenetic location: 19p13.3.
Variant type: single nucleotide variant.
Coding change: c.237C>T on transcript NM_030662.4 (MANE Select); coding-DNA position 237, C replaced by T.
Protein change: p.Gly79=; no amino-acid change (glycine 79 retained).
Molecular consequence: synonymous variant.
Genome position (GRCh38, 1-based): chr19:4,117,485, G>A on the plus strand (C>T on the coding strand, the complement: MAP2K2 is on the minus strand). VCF-style: chr19-4117485-G-A. GRCh37 (hg19) VCF-style: chr19-4117483-G-A.
Identifiers: ClinVar variation 1334262 (VCV001334262.21), dbSNP rs755173195, ClinGen allele CA9091073.

ClinVar aggregate classification (germline): Conflicting classifications of pathogenicity. Review status: criteria provided, conflicting classifications (1 of 4 stars). 5 submissions from 5 submitters: Uncertain significance (1); Likely benign (4). Last evaluated 2025-05-01.

Conditions:
Cardiovascular phenotype. Identifiers: MedGen CN230736.
RASopathy. Also called: Noonan spectrum disorder; rasopathies. Identifiers: Orphanet 536391, MedGen C5555857, MONDO:0021060.
Noonan syndrome and Noonan-related syndrome. Identifiers: Orphanet 98733, MedGen C5681679, MONDO:0020297.

Allele frequency attached by ClinVar (database versions not stated): gnomAD 0.00001; gnomAD exomes 0.00001 and 0.00003; ExAC 0.00002.

Submissions (5):

CeGaT Center for Human Genetics Tuebingen
Classification: Likely benign. Last evaluated: 2025-05-01. Review status: criteria provided, single submitter. Criteria: CeGaT Center For Human Genetics Tuebingen Variant Classification Criteria Version 2. Collection method: clinical testing. Allele origin: germline. Affected: yes. Observed: 1 variant allele.
Comment: MAP2K2: BP4, BP7

Labcorp Genetics (formerly Invitae), Labcorp
Classification: Likely benign for RASopathy. Last evaluated: 2024-12-31. Review status: criteria provided, single submitter. Criteria: Invitae Variant Classification Sherloc (09022015). Collection method: clinical testing. Allele origin: germline.

Blueprint Genetics
Classification: Likely benign. Last evaluated: 2022-07-12. Review status: criteria provided, single submitter. Criteria: ACMG Guidelines, 2015. Collection method: clinical testing. Allele origin: germline.

Ambry Genetics
Classification: Likely benign for Cardiovascular phenotype. Last evaluated: 2020-01-12. Review status: criteria provided, single submitter. Criteria: Ambry Variant Classification Scheme 2023. Collection method: clinical testing. Allele origin: germline.

Genome Diagnostics Laboratory, The Hospital for Sick Children
Classification: Uncertain significance for Noonan syndrome and Noonan-related syndrome. Last evaluated: 2019-06-01. Review status: criteria provided, single submitter. Criteria: ACMG Guidelines, 2015. Collection method: clinical testing. Allele origin: germline.